The following is an entry in ClinVar:

NM_004714.3(DYRK1B):c.156C>T (p.Leu52=)

Gene: DYRK1B (dual specificity tyrosine phosphorylation regulated kinase 1B; minus strand). Cytogenetic location: 19q13.2.
Variant type: single nucleotide variant.
Coding change: c.156C>T on transcript NM_004714.3 (MANE Select); coding-DNA position 156, C replaced by T.
Protein change: p.Leu52=; no amino-acid change (leucine 52 retained).
Molecular consequence: synonymous variant.
Genome position (GRCh38, 1-based): chr19:39,830,691, G>A on the plus strand (C>T on the coding strand, the complement: DYRK1B is on the minus strand). VCF-style: chr19-39830691-G-A. GRCh37 (hg19) VCF-style: chr19-40321331-G-A.
Other names: c.156C>T, p.Leu52= (NM_006483.3, NM_006484.3).
Identifiers: ClinVar variation 4998715 (VCV004998715.1).

ClinVar aggregate classification (germline): Likely benign (1 of 4 stars; one submission).

Conditions:
DYRK1B-related disorder. Also called: DYRK1B-related condition.

gnomAD v4.1: 4 of 1,614,024 alleles (0.00025%); highest among the groups gnomAD compares: East Asian, 0.0067%; no homozygotes.

Submission:

PreventionGenetics, part of Exact Sciences
Classification: Likely benign for DYRK1B-related condition. Last evaluated: 2024-12-31. Review status: criteria provided, single submitter. Criteria: ACMG Guidelines, 2015. Collection method: clinical testing. Allele origin: germline.
Comment: This variant is classified as likely benign based on ACMG/AMP sequence variant interpretation guidelines (Richards et al. 2015 PMID: 25741868, with internal and published modifications).